The following is an entry in ClinVar:

NM_003041.4(SLC5A2):c.226A>G (p.Ile76Val)

Gene: SLC5A2 (solute carrier family 5 member 2; plus strand). Cytogenetic location: 16p11.2.
Variant type: single nucleotide variant.
Coding change: c.226A>G on transcript NM_003041.4 (MANE Select); coding-DNA position 226, A replaced by G.
Protein change: p.Ile76Val; replaces isoleucine 76 with valine.
Molecular consequence: missense variant. On other transcripts: non-coding transcript variant (1).
Genome position (GRCh38, 1-based): chr16:31,484,846, A>G. VCF-style: chr16-31484846-A-G. GRCh37 (hg19) VCF-style: chr16-31496167-A-G.
Other names: short protein forms I76V.
Identifiers: ClinVar variation 2502154 (VCV002502154.1), dbSNP rs750542045, ClinGen allele CA8030657.

ClinVar aggregate classification (germline): Uncertain significance (1 of 4 stars; one submission).

Conditions:
Familial renal glucosuria (GLYS). Also called: Familial renal glycosuria; RENAL GLUCOSURIA, AUTOSOMAL DOMINANT. Identifiers: Orphanet 69076, MedGen C3245525, MONDO:0009297, OMIM 233100.

Allele frequency attached by ClinVar (database versions not stated): TOPMed below 0.00001; gnomAD 0.00001; ExAC 0.00002; gnomAD exomes 0.00002.

Submission:

New York Genome Center
Classification: Uncertain significance for Familial renal glucosuria. Last evaluated: 2022-04-29. Review status: criteria provided, single submitter. Criteria: NYGC Assertion Criteria 2020. Collection method: clinical testing. Allele origin: germline. Observed: 1 heterozygote.
Comment: The c.226A>G (p.Ile76Val) missense variant identified in the SLC5A2 gene has not been reported in affected individuals in theliterature. The variant has a 0.00001314allele frequency in the gnomAD(v3) database (2 out of 152,234 heterozygous alleles, no homozygotes) suggesting it is not a common benign variant in the populations represented in that database. The variant affects an evolutionarily conserved residue and in silico predictions are inconclusive of the variant's effect (CADD v1.6 = 23.3, REVEL = 0.570); however, there are no functional studies to support or refute these predictions. Based on the available evidence, the c.226A>G (p.Ile76Val) missense variant identified in the SLC5A2 gene is reported as a variant of uncertain significance.